The following is an entry in ClinVar:

NM_058216.3(RAD51C):c.992G>T (p.Ser331Ile)

Gene: RAD51C (RAD51 paralog C; plus strand). Cytogenetic location: 17q22.
Variant type: single nucleotide variant.
Coding change: c.992G>T on transcript NM_058216.3 (MANE Select); coding-DNA position 992, G replaced by T.
Protein change: p.Ser331Ile; replaces serine 331 with isoleucine.
Molecular consequence: missense variant. On other transcripts: non-coding transcript variant (1).
Genome position (GRCh38, 1-based): chr17:58,732,510, G>T. VCF-style: chr17-58732510-G-T. GRCh37 (hg19) VCF-style: chr17-56809871-G-T.
Other names: short protein forms S331I.
Identifiers: ClinVar variation 186085 (VCV000186085.14), dbSNP rs786202681, ClinGen allele CA193820.

ClinVar aggregate classification (germline): Conflicting classifications of pathogenicity. Review status: criteria provided, conflicting classifications (1 of 4 stars). 2 submissions from 2 submitters: Uncertain significance (1); Benign (1). Last evaluated 2025-10-08.

Conditions:
Hereditary cancer-predisposing syndrome. Also called: Hereditary Cancer Syndrome; Neoplastic Syndromes, Hereditary; Tumor predisposition; Hereditary neoplastic syndrome. Identifiers: Orphanet 140162, MedGen C0027672, MeSH D009386, MONDO:0015356.
Fanconi anemia complementation group O. Also called: RAD51C-Related Fanconi Anemia. Identifiers: Orphanet 84, MedGen C3150653, MONDO:0013248, OMIM 613390.

Submissions (2):

Ambry Genetics
Classification: Benign for Hereditary cancer-predisposing syndrome. Last evaluated: 2025-10-08. Review status: criteria provided, single submitter. Criteria: Ambry Variant Classification Scheme 2023. Collection method: clinical testing. Allele origin: germline.

Labcorp Genetics (formerly Invitae), Labcorp
Classification: Uncertain significance for Fanconi anemia complementation group O. Last evaluated: 2023-07-18. Review status: criteria provided, single submitter. Criteria: Invitae Variant Classification Sherloc (09022015). Collection method: clinical testing. Allele origin: germline.
Comment: In summary, the available evidence is currently insufficient to determine the role of this variant in disease. Therefore, it has been classified as a Variant of Uncertain Significance. Advanced modeling of protein sequence and biophysical properties (such as structural, functional, and spatial information, amino acid conservation, physicochemical variation, residue mobility, and thermodynamic stability) performed at Invitae indicates that this missense variant is not expected to disrupt RAD51C protein function. ClinVar contains an entry for this variant (Variation ID: 186085). This variant has not been reported in the literature in individuals affected with RAD51C-related conditions. This variant is not present in population databases (gnomAD no frequency). This sequence change replaces serine, which is neutral and polar, with isoleucine, which is neutral and non-polar, at codon 331 of the RAD51C protein (p.Ser331Ile).